The following is an entry in ClinVar:

ClinVar aggregate classification (germline): Uncertain significance (1 of 4 stars; one submission).

Submission:

GeneDx
Classification: Uncertain significance. Last evaluated: 2024-05-01. Review status: criteria provided, single submitter. Criteria: GeneDx Variant Classification Process June 2021. Collection method: clinical testing. Allele origin: germline. Affected: yes.
Comment: Not observed at significant frequency in large population cohorts (gnomAD); In silico analysis indicates that this missense variant does not alter protein structure/function; Has not been previously published as pathogenic or benign to our knowledge; Also known as 3197T>C

NM_000059.4(BRCA2):c.2969T>C (p.Met990Thr)

Gene: BRCA2 (BRCA2 DNA repair associated; plus strand). Cytogenetic location: 13q13.1.
Variant type: single nucleotide variant.
Coding change: c.2969T>C on transcript NM_000059.4 (MANE Select); coding-DNA position 2969, T replaced by C.
Protein change: p.Met990Thr; replaces methionine 990 with threonine.
Molecular consequence: missense variant. On other transcripts: non-coding transcript variant (1), intron variant (2).
Genome position (GRCh38, 1-based): chr13:32,337,324, T>C. VCF-style: chr13-32337324-T-C. GRCh37 (hg19) VCF-style: chr13-32911461-T-C.
Other names: c.2969T>C, p.Met990Thr (NM_001406719.1, NM_001406720.1, NM_001432077.1); c.1909+3937T>C (NM_001406721.1); c.424+6294T>C (NM_001406722.1); short protein forms M990T.
Identifiers: ClinVar variation 3373441 (VCV003373441.1).